The following is an entry in ClinVar:

ClinVar aggregate classification (germline): Benign. Review status: criteria provided, multiple submitters, no conflicts (2 of 4 stars). 3 submissions from 2 submitters: Benign (3). Last evaluated 2021-05-14.

Conditions:
Susceptibility to mononeuropathy of the median nerve, mild. Also called: CARPAL TUNNEL SYNDROME, SUSCEPTIBILITY TO. Identifiers: MedGen C3150596, MONDO:0013237, OMIM 613353.
Charcot-Marie-Tooth disease type 4C (CMT4C). Also called: CHARCOT-MARIE-TOOTH DISEASE, DEMYELINATING, AUTOSOMAL RECESSIVE, TYPE 4C; CMT 4C; Charcot-Marie-Tooth Neuropathy Type 4C (CMT4C); CHARCOT-MARIE-TOOTH DISEASE, DEMYELINATING, TYPE 4C; SH3TC2-Related Hereditary Motor and Sensory Neuropathy. Identifiers: Orphanet 99949, MedGen C1866636, MONDO:0011113, OMIM 601596.

Allele frequency attached by ClinVar (database versions not stated): 1000 Genomes Project 0.20288; 1000 Genomes Project 30x 0.20472; TOPMed 0.22658; gnomAD 0.22894 and 0.23286.
gnomAD v4.1: 34,809 of 151,960 alleles (23%); highest among the groups gnomAD compares: African/African-American, 32%; 4,500 homozygotes.

Submissions (3):

GeneDx
Classification: Benign. Last evaluated: 2021-05-14. Review status: criteria provided, single submitter. Criteria: GeneDx Variant Classification Process June 2021. Collection method: clinical testing. Allele origin: germline. Affected: yes.

Illumina Laboratory Services, Illumina
Classification: Benign for Susceptibility to mononeuropathy of the median nerve, mild. Last evaluated: 2018-01-13. Review status: criteria provided, single submitter. Criteria: ICSL Variant Classification Criteria 13 December 2019. Collection method: clinical testing. Allele origin: germline.
Comment: This variant was observed in the ICSL laboratory as part of a predisposition screen in an ostensibly healthy population. It had not been previously curated by ICSL or reported in the Human Gene Mutation Database (HGMD: prior to June 1st, 2018), and was therefore a candidate for classification through an automated scoring system. Utilizing variant allele frequency, disease prevalence and penetrance estimates, and inheritance mode, an automated score was calculated to assess if this variant is too frequent to cause the disease. Based on the score and internal cut-off values, a variant classified as benign is not then subjected to further curation. The score for this variant resulted in a classification of benign for this disease.

Illumina Laboratory Services, Illumina
Classification: Benign for Charcot-Marie-Tooth disease type 4C. Last evaluated: 2018-01-13. Review status: criteria provided, single submitter. Criteria: ICSL Variant Classification Criteria 13 December 2019. Collection method: clinical testing. Allele origin: germline.
Comment: the same text as in the submission from Illumina Laboratory Services, Illumina above.

NM_024577.4(SH3TC2):c.*5799C>T

Gene: SH3TC2 (SH3 domain and tetratricopeptide repeats 2; minus strand). Cytogenetic location: 5q32.
Variant type: single nucleotide variant.
Coding change: c.*5799C>T on transcript NM_024577.4 (MANE Select); 5799 bases downstream of the stop codon, C replaced by T.
Molecular consequence: 3 prime UTR variant.
Genome position (GRCh38, 1-based): chr5:148,998,912, G>A on the plus strand (C>T on the coding strand, the complement: SH3TC2 is on the minus strand). VCF-style: chr5-148998912-G-A. GRCh37 (hg19) VCF-style: chr5-148378475-G-A.
Identifiers: ClinVar variation 351801 (VCV000351801.8), dbSNP rs17109208, ClinGen allele CA10623294.